The following is an entry in ClinVar:

NM_004484.4(GPC3):c.1587T>A (p.Asp529Glu)

Gene: GPC3 (glypican 3; minus strand). Cytogenetic location: Xq26.2.
Variant type: single nucleotide variant.
Coding change: c.1587T>A on transcript NM_004484.4 (MANE Select); coding-DNA position 1587, T replaced by A.
Protein change: p.Asp529Glu; replaces aspartic acid 529 with glutamic acid.
Molecular consequence: missense variant.
Genome position (GRCh38, 1-based): chrX:133,536,280, A>T on the plus strand (T>A on the coding strand, the complement: GPC3 is on the minus strand). VCF-style: chrX-133536280-A-T. GRCh37 (hg19) VCF-style: chrX-132670308-A-T.
Other names: c.1656T>A, p.Asp552Glu (NM_001164617.2); c.1539T>A, p.Asp513Glu (NM_001164618.2); c.1425T>A, p.Asp475Glu (NM_001164619.2); short protein forms D513E, D529E, D475E, D552E.
Identifiers: ClinVar variation 2919375 (VCV002919375.3), dbSNP rs2520464172, ClinGen allele CA414703220.

ClinVar aggregate classification (germline): Uncertain significance (1 of 4 stars; one submission).

Conditions:
Wilms tumor 1 (WT1). Also called: Wilms tumor, somatic. Identifiers: Orphanet 654, MedGen CN033288, MONDO:0008679, OMIM 194070.

gnomAD v4.1: 1 of 1,201,285 alleles (0.000083%); no homozygotes.

Submission:

Labcorp Genetics (formerly Invitae), Labcorp
Classification: Uncertain significance for Wilms tumor 1. Last evaluated: 2023-09-05. Review status: criteria provided, single submitter. Criteria: Invitae Variant Classification Sherloc (09022015). Collection method: clinical testing. Allele origin: germline.
Comment: In summary, the available evidence is currently insufficient to determine the role of this variant in disease. Therefore, it has been classified as a Variant of Uncertain Significance. An algorithm developed to predict the effect of missense changes on protein structure and function (PolyPhen-2) suggests that this variant is likely to be disruptive. This variant has not been reported in the literature in individuals affected with GPC3-related conditions. This variant is not present in population databases (gnomAD no frequency). This sequence change replaces aspartic acid, which is acidic and polar, with glutamic acid, which is acidic and polar, at codon 529 of the GPC3 protein (p.Asp529Glu).